The following is an entry in ClinVar:

ClinVar aggregate classification (germline): Uncertain significance (1 of 4 stars; one submission).

Allele frequency attached by ClinVar (database versions not stated): TOPMed below 0.00001; ExAC 0.00002; gnomAD 0.00001; gnomAD exomes 0.00001; 1000 Genomes Project 30x 0.00031.
gnomAD v4.1: 13 of 1,613,844 alleles (0.00081%); highest among the groups gnomAD compares: East Asian, 0.0045%; no homozygotes.

Submission:

Labcorp Genetics (formerly Invitae), Labcorp
Classification: Uncertain significance. Last evaluated: 2025-08-18. Review status: criteria provided, single submitter. Criteria: Invitae Variant Classification Sherloc (09022015). Collection method: clinical testing. Allele origin: germline.
Comment: This sequence change replaces arginine, which is basic and polar, with cysteine, which is neutral and slightly polar, at codon 1599 of the POLR1A protein (p.Arg1599Cys). This variant is present in population databases (rs771887253, gnomAD 0.005%). This variant has not been reported in the literature in individuals affected with POLR1A-related conditions. ClinVar contains an entry for this variant (Variation ID: 3021218). Invitae Evidence Modeling of protein sequence and biophysical properties (such as structural, functional, and spatial information, amino acid conservation, physicochemical variation, residue mobility, and thermodynamic stability) indicates that this missense variant is expected to disrupt POLR1A protein function with a positive predictive value of 80%. In summary, the available evidence is currently insufficient to determine the role of this variant in disease. Therefore, it has been classified as a Variant of Uncertain Significance.

NM_015425.6(POLR1A):c.4795C>T (p.Arg1599Cys)

Gene: POLR1A (RNA polymerase I subunit A; minus strand). Cytogenetic location: 2p11.2.
Variant type: single nucleotide variant.
Coding change: c.4795C>T on transcript NM_015425.6 (MANE Select); coding-DNA position 4795, C replaced by T.
Protein change: p.Arg1599Cys; replaces arginine 1599 with cysteine.
Molecular consequence: missense variant.
Genome position (GRCh38, 1-based): chr2:86,028,696, G>A on the plus strand (C>T on the coding strand, the complement: POLR1A is on the minus strand). VCF-style: chr2-86028696-G-A. GRCh37 (hg19) VCF-style: chr2-86255819-G-A.
Other names: short protein forms R1599C.
Identifiers: ClinVar variation 3021218 (VCV003021218.3), dbSNP rs771887253, ClinGen allele CA1745381.